The following is an entry in ClinVar:

NM_000548.5(TSC2):c.718A>G (p.Ile240Val)

Gene: TSC2 (TSC complex subunit 2; plus strand). Cytogenetic location: 16p13.3.
Variant type: single nucleotide variant.
Coding change: c.718A>G on transcript NM_000548.5 (MANE Select); coding-DNA position 718, A replaced by G.
Protein change: p.Ile240Val; replaces isoleucine 240 with valine.
Molecular consequence: missense variant.
Genome position (GRCh38, 1-based): chr16:2,056,713, A>G. VCF-style: chr16-2056713-A-G. GRCh37 (hg19) VCF-style: chr16-2106714-A-G.
Other names: c.718A>G, p.Ile240Val (NM_001077183.3, NM_001114382.3, NM_001363528.2 and 3 more transcripts); c.607A>G, p.Ile203Val (NM_001318827.2); c.571A>G, p.Ile191Val (NM_001318829.2); c.118A>G, p.Ile40Val (NM_001318831.2); c.751A>G, p.Ile251Val (NM_001318832.2); short protein forms I240V, I203V, I40V, I191V, I251V.
Identifiers: ClinVar variation 207706 (VCV000207706.14), dbSNP rs796053482, ClinGen allele CA319418.

ClinVar aggregate classification (germline): Conflicting classifications of pathogenicity. Review status: criteria provided, conflicting classifications (1 of 4 stars). 5 submissions from 5 submitters: Uncertain significance (3); Benign (1); Likely benign (1). Last evaluated 2026-04-24.

Conditions:
Lymphangiomyomatosis (LAM). Also called: Lymphangioleiomyomatosis; Lymphangioleiomyomatosis, somatic. Identifiers: Orphanet 538, MedGen C0751674, MONDO:0011705, OMIM 606690.
Isolated focal cortical dysplasia type II (FCORD2). Also called: Focal cortical dysplasia type II; CORTICAL DYSPLASIA OF TAYLOR. Identifiers: Orphanet 268994, MedGen C1846385, MONDO:0011818, OMIM 607341, HP:0032051.
Tuberous sclerosis 2 (TSC2). Identifiers: Orphanet 805, MedGen C1860707, MONDO:0013199, OMIM 613254.
Hereditary cancer-predisposing syndrome. Also called: Tumor predisposition; Hereditary Cancer Syndrome; Hereditary neoplastic syndrome; Neoplastic Syndromes, Hereditary. Identifiers: Orphanet 140162, MedGen C0027672, MeSH D009386, MONDO:0015356.
Tuberous sclerosis syndrome (TSC). Also called: Tuberous Sclerosis Complex; Tuberous sclerosis. Identifiers: Orphanet 805, MedGen C0041341, MONDO:0001734.

Allele frequency attached by ClinVar (database versions not stated): gnomAD exomes below 0.00001; TOPMed 0.00001.
gnomAD v4.1: 4 of 1,612,544 alleles (0.00025%); highest among the groups gnomAD compares: Non-Finnish European, 0.00034%; no homozygotes.

Submissions (5):

Ambry Genetics
Classification: Likely benign for Hereditary cancer-predisposing syndrome. Last evaluated: 2026-04-24. Review status: criteria provided, single submitter. Criteria: Ambry Variant Classification Scheme 2023. Collection method: clinical testing. Allele origin: germline.

Labcorp Genetics (formerly Invitae), Labcorp
Classification: Benign for Tuberous sclerosis 2. Last evaluated: 2025-01-26. Review status: criteria provided, single submitter. Criteria: Invitae Variant Classification Sherloc (09022015). Collection method: clinical testing. Allele origin: germline.

Fulgent Genetics
Classification: Uncertain significance for Lymphangiomyomatosis; Isolated focal cortical dysplasia type II; Tuberous sclerosis 2. Last evaluated: 2023-12-27. Review status: criteria provided, single submitter. Criteria: ACMG Guidelines, 2015. Collection method: clinical testing. Allele origin: germline.

Baylor Genetics
Classification: Uncertain significance for Isolated focal cortical dysplasia type II. Last evaluated: 2023-12-24. Review status: criteria provided, single submitter. Criteria: ACMG Guidelines, 2015. Collection method: clinical testing. Allele origin: unknown.

All of Us Research Program, National Institutes of Health
Classification: Uncertain significance for Tuberous sclerosis syndrome. Last evaluated: 2023-08-15. Review status: criteria provided, single submitter. Criteria: ACMG Guidelines, 2015. Collection method: clinical testing. Allele origin: germline. Inheritance: Autosomal dominant inheritance. Observed: 3 variant alleles, 3 heterozygotes.
Comment: This missense variant replaces isoleucine with valine at codon 240 of the TSC2 protein. Computational prediction suggests that this variant may not impact protein structure and function (internally defined REVEL score threshold <= 0.5, PMID: 27666373). To our knowledge, functional studies have not been reported for this variant. This variant has not been reported in individuals affected with tuberous sclerosis complex in the literature. This variant has not been identified in the general population by the Genome Aggregation Database (gnomAD). The available evidence is insufficient to determine the role of this variant in disease conclusively. Therefore, this variant is classified as a Variant of Uncertain Significance.

This study involves interpretation of variants in research participants for the purpose of population health screening. Participant phenotype was not available at the time of variant classification. Additional details can be found in publication PMID: 35346344, PMCID: PMC8962531